The following is an entry in ClinVar:

ClinVar aggregate classification (germline): Benign/Likely benign. Review status: criteria provided, multiple submitters, no conflicts (2 of 4 stars). 3 submissions from 3 submitters: Benign (1); Likely benign (2). Last evaluated 2025-04-17.

Conditions:
Hereditary cancer-predisposing syndrome. Also called: Hereditary Cancer Syndrome; Hereditary neoplastic syndrome; Tumor predisposition; Neoplastic Syndromes, Hereditary. Identifiers: Orphanet 140162, MedGen C0027672, MeSH D009386, MONDO:0015356.
Breast-ovarian cancer, familial, susceptibility to, 3. Also called: RAD51C-Related Breast/Ovarian Cancer. Identifiers: Orphanet 145, MedGen C3150659, MONDO:0013253, OMIM 613399.
Fanconi anemia complementation group O. Also called: RAD51C-Related Fanconi Anemia. Identifiers: Orphanet 84, MedGen C3150653, MONDO:0013248, OMIM 613390.

Submissions (3):

Ambry Genetics
Classification: Likely benign for Hereditary cancer-predisposing syndrome. Last evaluated: 2025-04-17. Review status: criteria provided, single submitter. Criteria: Ambry Variant Classification Scheme 2023. Collection method: clinical testing. Allele origin: germline.

Myriad Genetics, Inc.
Classification: Benign for Breast-ovarian cancer, familial, susceptibility to, 3. Last evaluated: 2025-02-19. Review status: criteria provided, single submitter. Criteria: Myriad Autosomal Dominant, Autosomal Recessive and X-Linked Classification Criteria (2023). Collection method: clinical testing. Allele origin: unknown.
Comment: This variant is considered benign. This variant is a silent/synonymous amino acid change and it is not expected to impact splicing.

Labcorp Genetics (formerly Invitae), Labcorp
Classification: Likely benign for Fanconi anemia complementation group O. Last evaluated: 2024-03-06. Review status: criteria provided, single submitter. Criteria: Invitae Variant Classification Sherloc (09022015). Collection method: clinical testing. Allele origin: germline.

NM_058216.3(RAD51C):c.1125A>G (p.Glu375=)

Gene: RAD51C (RAD51 paralog C; plus strand). Cytogenetic location: 17q22.
Variant type: single nucleotide variant.
Coding change: c.1125A>G on transcript NM_058216.3 (MANE Select); coding-DNA position 1125, A replaced by G.
Protein change: p.Glu375=; no amino-acid change (glutamic acid 375 retained).
Molecular consequence: synonymous variant. On other transcripts: non-coding transcript variant (1).
Genome position (GRCh38, 1-based): chr17:58,734,216, A>G. VCF-style: chr17-58734216-A-G. GRCh37 (hg19) VCF-style: chr17-56811577-A-G.
Other names: c.*553A>G (NM_058217.1).
Identifiers: ClinVar variation 2783393 (VCV002783393.5), dbSNP rs2509370215, ClinGen allele CA501076225.